The following is an entry in ClinVar:

ClinVar aggregate classification (germline): Uncertain significance (1 of 4 stars; one submission).

Submission:

GeneDx
Classification: Uncertain significance. Last evaluated: 2024-10-09. Review status: criteria provided, single submitter. Criteria: GeneDx Variant Classification Process June 2021. Collection method: clinical testing. Allele origin: germline. Affected: yes.
Comment: Not observed at significant frequency in large population cohorts (gnomAD); In silico analysis supports that this missense variant has a deleterious effect on protein structure/function; Has not been previously published as pathogenic or benign to our knowledge

NM_000516.7(GNAS):c.617G>A (p.Gly206Glu)

Gene: GNAS (GNAS complex locus; plus strand). Cytogenetic location: 20q13.32.
Variant type: single nucleotide variant.
Coding change: c.617G>A on transcript NM_000516.7 (MANE Select); coding-DNA position 617, G replaced by A.
Protein change: p.Gly206Glu; replaces glycine 206 with glutamic acid.
Molecular consequence: missense variant. On other transcripts: 3 prime UTR variant (2).
Genome position (GRCh38, 1-based): chr20:58,909,381, G>A. VCF-style: chr20-58909381-G-A. GRCh37 (hg19) VCF-style: chr20-57484436-G-A.
Other names: c.620G>A, p.Gly207Glu (NM_001077488.5); c.572G>A, p.Gly191Glu (NM_001077489.4); c.*478G>A (NM_001077490.3); c.440G>A, p.Gly147Glu (NM_001309840.2, NM_001309861.2); c.521G>A, p.Gly174Glu (NM_001410912.1); c.2501G>A, p.Gly834Glu (NM_001410913.1); c.*523G>A (NM_016592.5); c.2546G>A, p.Gly849Glu (NM_080425.4); and 1 more; short protein forms G147E, G174E, G191E, G192E, G206E, G207E, G834E, G849E.
Identifiers: ClinVar variation 3777648 (VCV003777648.1).